The following is an entry in ClinVar:

ClinVar aggregate classification (germline): Likely pathogenic (1 of 4 stars; one submission).

Conditions:
NDUFV1-related disorder. Also called: NDUFV1-related disorders; NDUFV1-related condition.

gnomAD v4.1: 3 of 1,613,836 alleles (0.00019%); highest among the groups gnomAD compares: Non-Finnish European, 0.00025%; no homozygotes.

Submission:

PreventionGenetics, part of Exact Sciences
Classification: Likely pathogenic for NDUFV1-related condition. Last evaluated: 2026-03-07. Review status: criteria provided, single submitter. Criteria: ACMG Guidelines, 2015. Collection method: clinical testing. Allele origin: germline.
Comment: The NDUFV1 c.1162+1G>T variant is predicted to disrupt the GT donor site and interfere with normal splicing. To our knowledge, this variant has not been reported in the literature or in a large population database (gnomAD), indicating this variant is rare. Variants that disrupt the consensus splice donor site in NDUFV1 are expected to be pathogenic. This variant is interpreted as likely pathogenic.

NM_007103.4(NDUFV1):c.1162+1G>T

Genes: NDUFV1 (NADH:ubiquinone oxidoreductase core subunit V1; plus strand), LOC126861242 (CDK7 strongly-dependent group 2 enhancer GRCh37_chr11:67379204-67380403; plus strand). Cytogenetic location: 11q13.2.
Variant type: single nucleotide variant.
Coding change: c.1162+1G>T on transcript NM_007103.4 (MANE Select); the canonical splice donor site of the intron after coding-DNA position 1162, G replaced by T.
Molecular consequence: splice donor variant.
Genome position (GRCh38, 1-based): chr11:67,611,979, G>T. VCF-style: chr11-67611979-G-T. GRCh37 (hg19) VCF-style: chr11-67379450-G-T.
Other names: c.1135+1G>T (NM_001166102.2).
Identifiers: ClinVar variation 4995830 (VCV004995830.1).